The following is an entry in ClinVar:

NM_022168.4(IFIH1):c.627T>G (p.Ile209Met)

Gene: IFIH1 (interferon induced with helicase C domain 1; minus strand). Cytogenetic location: 2q24.2.
Variant type: single nucleotide variant.
Coding change: c.627T>G on transcript NM_022168.4 (MANE Select); coding-DNA position 627, T replaced by G.
Protein change: p.Ile209Met; replaces isoleucine 209 with methionine.
Molecular consequence: missense variant.
Genome position (GRCh38, 1-based): chr2:162,306,851, A>C on the plus strand (T>G on the coding strand, the complement: IFIH1 is on the minus strand). VCF-style: chr2-162306851-A-C. GRCh37 (hg19) VCF-style: chr2-163163361-A-C.
Other names: short protein forms I209M.
Identifiers: ClinVar variation 2430483 (VCV002430483.2), dbSNP rs564673117, ClinGen allele CA59686003.
Genomic context (GRCh38, chr2:162,306,851, plus strand): 5'-AACTGTGGTTGAAAGAAGTTGCTCTTCCACTTGAGGACCATCAACTTGTGATAAATTCTC[A>C]ATCTCTGTGAATAACAGTATTAGAATGCAAATCATAGTGCCATACAAGTTTTTGTAGAGC-3'
Protein context (NP_071451.2, residues 199-219): GSDCSESNAE[Ile209Met]ENLSQVDGPQ

ClinVar aggregate classification (germline): Uncertain significance. Review status: criteria provided, multiple submitters, no conflicts (2 of 4 stars). 2 submissions from 2 submitters: Uncertain significance (2). Last evaluated 2025-10-08.

Conditions:
Aicardi-Goutieres syndrome 7 (AGS7). Identifiers: Orphanet 51, MedGen C3888244, MONDO:0014367, OMIM 615846.
Singleton-Merten syndrome 1 (SGMRT1). Also called: Widened medullary cavities of bone, aortic calcification, abnormal dentition, and muscular weakness; Syndrome of widened medullary cavities of the metacarpals and phalanges, aortic calcification and abnormal dentition. Identifiers: Orphanet 85191, MedGen C4225427, MONDO:0024535, OMIM 182250.

Allele frequency attached by ClinVar (database versions not stated): gnomAD exomes below 0.00001; TOPMed below 0.00001; 1000 Genomes Project 0.00020; 1000 Genomes Project 30x 0.00016; gnomAD 0.00001.
gnomAD v4.1: 3 of 1,613,568 alleles (0.00019%); highest among the groups gnomAD compares: African/African-American, 0.0013%; no homozygotes.

Submissions (2):

Labcorp Genetics (formerly Invitae), Labcorp
Classification: Uncertain significance for Aicardi-Goutieres syndrome 7; Singleton-Merten syndrome 1. Last evaluated: 2025-10-08. Review status: criteria provided, single submitter. Criteria: Invitae Variant Classification Sherloc (09022015). Collection method: clinical testing. Allele origin: germline.
Comment: This sequence change replaces isoleucine, which is neutral and non-polar, with methionine, which is neutral and non-polar, at codon 209 of the IFIH1 protein (p.Ile209Met). This variant is not present in population databases (gnomAD no frequency). This variant has not been reported in the literature in individuals affected with IFIH1-related conditions. ClinVar contains an entry for this variant (Variation ID: 2430483). Invitae Evidence Modeling of protein sequence and biophysical properties (such as structural, functional, and spatial information, amino acid conservation, physicochemical variation, residue mobility, and thermodynamic stability) has been performed for this missense variant. However, the output from this modeling did not meet the statistical confidence thresholds required to predict the impact of this variant on IFIH1 protein function. In summary, the available evidence is currently insufficient to determine the role of this variant in disease. Therefore, it has been classified as a Variant of Uncertain Significance.

GeneDx
Classification: Uncertain significance. Last evaluated: 2022-08-17. Review status: criteria provided, single submitter. Criteria: GeneDx Variant Classification Process June 2021. Collection method: clinical testing. Allele origin: germline. Affected: yes.
Comment: Not observed at significant frequency in large population cohorts (gnomAD); In silico analysis supports that this missense variant does not alter protein structure/function; Has not been previously published as pathogenic or benign to our knowledge